The following is an entry in ClinVar:

ClinVar aggregate classification (germline): Uncertain significance (1 of 4 stars; one submission).

Submission:

Labcorp Genetics (formerly Invitae), Labcorp
Classification: Uncertain significance. Last evaluated: 2023-07-16. Review status: criteria provided, single submitter. Criteria: Invitae Variant Classification Sherloc (09022015). Collection method: clinical testing. Allele origin: germline.
Comment: In summary, the available evidence is currently insufficient to determine the role of this variant in disease. Therefore, it has been classified as a Variant of Uncertain Significance. Algorithms developed to predict the effect of sequence changes on RNA splicing suggest that this variant may disrupt the consensus splice site. This variant has not been reported in the literature in individuals affected with NONO-related conditions. This variant is not present in population databases (gnomAD no frequency). This sequence change falls in intron 12 of the NONO gene. It does not directly change the encoded amino acid sequence of the NONO protein.

NM_007363.5(NONO):c.1282-9_1282-4del

Gene: NONO (non-POU domain containing octamer binding; plus strand). Cytogenetic location: Xq13.1.
Variant type: Deletion.
Coding change: c.1282-9_1282-4del on transcript NM_007363.5 (MANE Select); 9 bases into the intron before coding-DNA position 1282 through 4 bases into the intron before coding-DNA position 1282, 6 bases deleted (CTCTTT; older notation c.1282-9_1282-4delCTCTTT).
Molecular consequence: intron variant.
Genome position (GRCh38, 1-based): chrX:71,299,933-71,299,938, CTCTTT deleted; deleting any 6 consecutive bases within chrX:71,299,930-71,299,938 gives the same sequence; the c. name uses the placement nearest the transcript's 3' end. VCF-style (leftmost placement, unchanged base first): chrX-71299929-TTTTCTC-T. GRCh37 (hg19) VCF-style: chrX-70519779-TTTTCTC-T.
Other names: c.1282-9_1282-4del (NM_001145408.2, NM_001145409.2); c.1015-9_1015-4del (NM_001145410.2).
Identifiers: ClinVar variation 2744096 (VCV002744096.3), dbSNP rs2519898314, ClinGen allele CA2697553172.
Genomic context (GRCh38, chrX:71,299,929, plus strand): 5'-GGAGGGACTACAGATGGGTGGGAAGCTTCCAACAATGGCTCTGTTACAGTGTTGCTCTCT[TTTTCTC>T]TTTAAGACCCCACCAACAACTGAACGCTTTGGTCAGGCTGCTACAATGGAAGGAATTGGG-3'